The following is an entry in ClinVar:

NM_014423.4(AFF4):c.340G>A (p.Ala114Thr)

Gene: AFF4 (ALF transcription elongation factor 4; minus strand). Cytogenetic location: 5q31.1.
Variant type: single nucleotide variant.
Coding change: c.340G>A on transcript NM_014423.4 (MANE Select); coding-DNA position 340, G replaced by A.
Protein change: p.Ala114Thr; replaces alanine 114 with threonine.
Molecular consequence: missense variant.
Genome position (GRCh38, 1-based): chr5:132,934,725, C>T on the plus strand (G>A on the coding strand, the complement: AFF4 is on the minus strand). VCF-style: chr5-132934725-C-T. GRCh37 (hg19) VCF-style: chr5-132270417-C-T.
Other names: c.340G>A (NM_014423.3); short protein forms A114T.
Identifiers: ClinVar variation 3710107 (VCV003710107.4).

ClinVar aggregate classification (germline): Uncertain significance. Review status: criteria provided, multiple submitters, no conflicts (2 of 4 stars). 3 submissions from 3 submitters: Uncertain significance (3). Last evaluated 2025-05-31.

Conditions:
Cognitive impairment - coarse facies - heart defects - obesity - pulmonary involvement - short stature - skeletal dysplasia syndrome. Also called: AFF4-Related CHOPS Syndrome; COGNITIVE IMPAIRMENT, COARSE FACIES, HEART DEFECTS, OBESITY, PULMONARY INVOLVEMENT, SHORT STATURE, AND SKELETAL DYSPLASIA; Chops syndrome. Identifiers: Orphanet 444077, MedGen C4085597, MONDO:0014609, OMIM 616368.
AFF4-related disorder. Also called: AFF4-related condition.

gnomAD v4.1: 38 of 1,613,894 alleles (0.0024%); highest among the groups gnomAD compares: Non-Finnish European, 0.003%; no homozygotes.

Submissions (3):

PreventionGenetics, part of Exact Sciences
Classification: Uncertain significance for AFF4-related condition. Last evaluated: 2025-05-31. Review status: criteria provided, single submitter. Criteria: ACMG Guidelines, 2015. Collection method: clinical testing. Allele origin: germline.
Comment: The AFF4 c.340G>A variant is predicted to result in the amino acid substitution p.Ala114Thr. To our knowledge, this variant has not been reported in the literature. This variant is reported in 0.0040% of alleles in individuals of African descent in gnomAD. At this time, the clinical significance of this variant is uncertain due to the absence of conclusive functional and genetic evidence.

Labcorp Genetics (formerly Invitae), Labcorp
Classification: Uncertain significance for Cognitive impairment - coarse facies - heart defects - obesity - pulmonary involvement - short stature - skeletal dysplasia syndrome. Last evaluated: 2025-01-13. Review status: criteria provided, single submitter. Criteria: Invitae Variant Classification Sherloc (09022015). Collection method: clinical testing. Allele origin: germline.
Comment: This sequence change replaces alanine, which is neutral and non-polar, with threonine, which is neutral and polar, at codon 114 of the AFF4 protein (p.Ala114Thr). This variant is present in population databases (rs765756314, gnomAD 0.004%). This variant has not been reported in the literature in individuals affected with AFF4-related conditions. Invitae Evidence Modeling of protein sequence and biophysical properties (such as structural, functional, and spatial information, amino acid conservation, physicochemical variation, residue mobility, and thermodynamic stability) indicates that this missense variant is not expected to disrupt AFF4 protein function with a negative predictive value of 80%. In summary, the available evidence is currently insufficient to determine the role of this variant in disease. Therefore, it has been classified as a Variant of Uncertain Significance.

Greenwood Genetic Center Diagnostic Laboratories, Greenwood Genetic Center
Classification: Uncertain significance. Last evaluated: 2024-10-02. Review status: criteria provided, single submitter. Criteria: ACMG Guidelines, 2015. Collection method: clinical testing. Allele origin: germline. Affected: yes.
Comment: BP4, PP2